The following is an entry in ClinVar:

NM_001382273.1(TNK2):c.1700C>T (p.Ser567Leu)

Gene: TNK2 (tyrosine kinase non receptor 2; minus strand). Cytogenetic location: 3q29.
Variant type: single nucleotide variant.
Coding change: c.1700C>T on transcript NM_001382273.1 (MANE Select); coding-DNA position 1700, C replaced by T.
Protein change: p.Ser567Leu; replaces serine 567 with leucine.
Molecular consequence: missense variant. On other transcripts: non-coding transcript variant (15).
Genome position (GRCh38, 1-based): chr3:195,868,598, G>A on the plus strand (C>T on the coding strand, the complement: TNK2 is on the minus strand). VCF-style: chr3-195868598-G-A. GRCh37 (hg19) VCF-style: chr3-195595469-G-A.
Other names: c.1772C>T, p.Ser591Leu (NM_001010938.2, NM_001382272.1); c.1751C>T, p.Ser584Leu (NM_001308046.2, NM_001382271.1); c.1700C>T, p.Ser567Leu (NM_001382274.1, NM_001387716.1, NM_001387717.1 and 1 more transcripts); c.1796C>T, p.Ser599Leu (NM_001382275.1, NM_001387707.1); c.1655C>T, p.Ser552Leu (NM_001386164.1, NM_001387709.1, NM_001387710.1 and 8 more transcripts); c.1727C>T, p.Ser576Leu (NM_001387708.1, NM_001387715.1); short protein forms S591L, S576L, S599L, S567L, S584L, S552L.
Identifiers: ClinVar variation 3459290 (VCV003459290.3).

ClinVar aggregate classification (germline): Uncertain significance. Review status: criteria provided, multiple submitters, no conflicts (2 of 4 stars). 2 submissions from 2 submitters: Uncertain significance (2). Last evaluated 2025-04-02.

gnomAD v4.1: 107 of 1,579,560 alleles (0.0068%); highest among the groups gnomAD compares: Non-Finnish European, 0.0062%; no homozygotes.

Submissions (2):

Labcorp Genetics (formerly Invitae), Labcorp
Classification: Uncertain significance. Last evaluated: 2025-04-02. Review status: criteria provided, single submitter. Criteria: Invitae Variant Classification Sherloc (09022015). Collection method: clinical testing. Allele origin: germline.
Comment: This sequence change replaces serine, which is neutral and polar, with leucine, which is neutral and non-polar, at codon 630 of the TNK2 protein (p.Ser630Leu). This variant is present in population databases (rs200135214, gnomAD 0.1%), and has an allele count higher than expected for a pathogenic variant. This variant has not been reported in the literature in individuals affected with TNK2-related conditions. ClinVar contains an entry for this variant (Variation ID: 3459290). An algorithm developed to predict the effect of missense changes on protein structure and function (PolyPhen-2) suggests that this variant is likely to be tolerated. In summary, the available evidence is currently insufficient to determine the role of this variant in disease. Therefore, it has been classified as a Variant of Uncertain Significance.

Ambry Genetics
Classification: Uncertain significance. Last evaluated: 2024-12-04. Review status: criteria provided, single submitter. Criteria: Ambry Variant Classification Scheme 2023. Collection method: clinical testing. Allele origin: germline.